The following is an entry in ClinVar:

NM_001206927.2(DNAH8):c.6931C>T (p.His2311Tyr)

Gene: DNAH8 (dynein axonemal heavy chain 8; plus strand). Cytogenetic location: 6p21.2.
Variant type: single nucleotide variant.
Coding change: c.6931C>T on transcript NM_001206927.2 (MANE Select); coding-DNA position 6931, C replaced by T.
Protein change: p.His2311Tyr; replaces histidine 2311 with tyrosine.
Molecular consequence: missense variant.
Genome position (GRCh38, 1-based): chr6:38,870,503, C>T. VCF-style: chr6-38870503-C-T. GRCh37 (hg19) VCF-style: chr6-38838279-C-T.
Other names: c.6280C>T, p.His2094Tyr (NM_001371.4); short protein forms H2311Y, H2094Y.
Identifiers: ClinVar variation 581043 (VCV000581043.12), dbSNP rs370226425, ClinGen allele CA3789790.
Genomic context (GRCh38, chr6:38,870,503, plus strand): 5'-CTGTTCCCAGGACTGCAACTGGATAGTAATACTTATGCAGAACTGCAAAACGCAGTAGCC[C>T]ATCAGGTTCAGATAGAGGGTTTGATTAACCATCCACCCTGGAACCTGAAACTCGTGCAGG-3'
Protein context (NP_001193856.1, residues 2301-2321): TYAELQNAVA[His2311Tyr]QVQIEGLINH

ClinVar aggregate classification (germline): Uncertain significance. Review status: criteria provided, multiple submitters, no conflicts (2 of 4 stars). 3 submissions from 3 submitters: Uncertain significance (3). Last evaluated 2025-08-12.

Conditions:
DNAH8-related disorder. Also called: DNAH8-related condition.
Primary ciliary dyskinesia. Also called: Ciliary dyskinesia. Identifiers: Orphanet 244, MedGen C0008780, MONDO:0016575, HP:0012265.

Allele frequency attached by ClinVar (database versions not stated): TOPMed 0.00001; gnomAD 0.00002 and 0.00003; gnomAD exomes 0.00002; ExAC 0.00003; ESP Exome Variant Server 0.00015.
gnomAD v4.1: 30 of 1,613,932 alleles (0.0019%); highest among the groups gnomAD compares: Middle Eastern, 0.033%; no homozygotes.

Submissions (3):

Labcorp Genetics (formerly Invitae), Labcorp
Classification: Uncertain significance for Primary ciliary dyskinesia. Last evaluated: 2025-08-12. Review status: criteria provided, single submitter. Criteria: Invitae Variant Classification Sherloc (09022015). Collection method: clinical testing. Allele origin: germline.
Comment: This sequence change replaces histidine, which is basic and polar, with tyrosine, which is neutral and polar, at codon 2311 of the DNAH8 protein (p.His2311Tyr). This variant is present in population databases (rs370226425, gnomAD 0.006%). This variant has not been reported in the literature in individuals affected with DNAH8-related conditions. ClinVar contains an entry for this variant (Variation ID: 581043). Invitae Evidence Modeling of protein sequence and biophysical properties (such as structural, functional, and spatial information, amino acid conservation, physicochemical variation, residue mobility, and thermodynamic stability) has been performed for this missense variant. However, the output from this modeling did not meet the statistical confidence thresholds required to predict the impact of this variant on DNAH8 protein function. In summary, the available evidence is currently insufficient to determine the role of this variant in disease. Therefore, it has been classified as a Variant of Uncertain Significance.

PreventionGenetics, part of Exact Sciences
Classification: Uncertain significance for DNAH8-related condition. Last evaluated: 2024-10-18. Review status: criteria provided, single submitter. Criteria: ACMG Guidelines, 2015. Collection method: clinical testing. Allele origin: germline.
Comment: The DNAH8 c.6931C>T variant is predicted to result in the amino acid substitution p.His2311Tyr. To our knowledge, this variant has not been reported in the literature. This variant is reported in 0.0065% of alleles in individuals of South Asian descent in gnomAD. At this time, the clinical significance of this variant is uncertain due to the absence of conclusive functional and genetic evidence.

Ambry Genetics
Classification: Uncertain significance. Last evaluated: 2024-10-08. Review status: criteria provided, single submitter. Criteria: Ambry Variant Classification Scheme 2023. Collection method: clinical testing. Allele origin: germline.